The following is an entry in ClinVar:

ClinVar aggregate classification (germline): Likely benign (1 of 4 stars; one submission).

Allele frequency attached by ClinVar (database versions not stated): ExAC 0.00004; gnomAD 0.00007; TOPMed 0.00011; 1000 Genomes Project 30x 0.00016; 1000 Genomes Project 0.00020.
gnomAD v4.1: 29 of 1,613,438 alleles (0.0018%); highest among the groups gnomAD compares: Admixed American, 0.038%; no homozygotes.

Submission:

CeGaT Center for Human Genetics Tuebingen
Classification: Likely benign. Last evaluated: 2022-05-01. Review status: criteria provided, single submitter. Criteria: CeGaT Center For Human Genetics Tuebingen Variant Classification Criteria Version 2. Collection method: clinical testing. Allele origin: germline. Affected: yes. Observed: 1 variant allele.
Comment: SCO1: BP4, BP7

NM_004589.4(SCO1):c.43C>T (p.Leu15=)

Genes: SCO1 (synthesis of cytochrome C oxidase 1; minus strand), LOC112529895 (Sharpr-MPRA regulatory region 5903; plus strand). Cytogenetic location: 17p13.1.
Variant type: single nucleotide variant.
Coding change: c.43C>T on transcript NM_004589.4 (MANE Select); coding-DNA position 43, C replaced by T.
Protein change: p.Leu15=; no amino-acid change (leucine 15 retained).
Molecular consequence: synonymous variant.
Genome position (GRCh38, 1-based): chr17:10,697,465, G>A on the plus strand (C>T on the coding strand, the complement: SCO1 is on the minus strand). VCF-style: chr17-10697465-G-A. GRCh37 (hg19) VCF-style: chr17-10600782-G-A.
Identifiers: ClinVar variation 2647482 (VCV002647482.24), dbSNP rs537557138, ClinGen allele CA8393718.